The following is an entry in ClinVar:

ClinVar aggregate classification (germline): Uncertain significance (1 of 4 stars; one submission).

Conditions:
Inborn genetic diseases. Identifiers: MedGen C0950123, MeSH D030342.

Submission:

Ambry Genetics
Classification: Uncertain significance for Inborn genetic diseases. Last evaluated: 2021-08-02. Review status: criteria provided, single submitter. Criteria: Ambry Variant Classification Scheme 2023. Collection method: clinical testing. Allele origin: germline.
Comment: The p.Q518R variant (also known as c.1553A>G), located in coding exon 12 of the BUB1B gene, results from an A to G substitution at nucleotide position 1553. The glutamine at codon 518 is replaced by arginine, an amino acid with highly similar properties. This amino acid position is conserved. In addition, this alteration is predicted to be tolerated by in silico analysis. Since supporting evidence is limited at this time, the clinical significance of this alteration remains unclear.

NM_001211.6(BUB1B):c.1553A>G (p.Gln518Arg)

Gene: BUB1B (BUB1 mitotic checkpoint serine/threonine kinase B; plus strand). Cytogenetic location: 15q15.1.
Variant type: single nucleotide variant.
Coding change: c.1553A>G on transcript NM_001211.6 (MANE Select); coding-DNA position 1553, A replaced by G.
Protein change: p.Gln518Arg; replaces glutamine 518 with arginine.
Molecular consequence: missense variant.
Genome position (GRCh38, 1-based): chr15:40,200,966, A>G. VCF-style: chr15-40200966-A-G. GRCh37 (hg19) VCF-style: chr15-40493167-A-G.
Other names: short protein forms Q518R.
Identifiers: ClinVar variation 1775098 (VCV001775098.2), dbSNP rs2542557167, ClinGen allele CA391690777.